The following is an entry in ClinVar:

ClinVar aggregate classification (germline): Uncertain significance (1 of 4 stars; one submission).

Conditions:
RASopathy. Also called: Noonan spectrum disorder; rasopathies. Identifiers: Orphanet 536391, MedGen C5555857, MONDO:0021060.

Submission:

Labcorp Genetics (formerly Invitae), Labcorp
Classification: Uncertain significance for RASopathy. Last evaluated: 2021-10-15. Review status: criteria provided, single submitter. Criteria: Invitae Variant Classification Sherloc (09022015). Collection method: clinical testing. Allele origin: germline.
Comment: This sequence change replaces proline with alanine at codon 579 of the CBL protein (p.Pro579Ala). The proline residue is moderately conserved and there is a small physicochemical difference between proline and alanine. This variant is not present in population databases (ExAC no frequency). Advanced modeling of protein sequence and biophysical properties (such as structural, functional, and spatial information, amino acid conservation, physicochemical variation, residue mobility, and thermodynamic stability) performed at Invitae indicates that this missense variant is not expected to disrupt CBL protein function. In summary, the available evidence is currently insufficient to determine the role of this variant in disease. Therefore, it has been classified as a Variant of Uncertain Significance. This variant has not been reported in the literature in individuals affected with CBL-related conditions.

NM_005188.4(CBL):c.1735C>G (p.Pro579Ala)

Gene: CBL (Cbl proto-oncogene; plus strand). Cytogenetic location: 11q23.3.
Variant type: single nucleotide variant.
Coding change: c.1735C>G on transcript NM_005188.4 (MANE Select); coding-DNA position 1735, C replaced by G.
Protein change: p.Pro579Ala; replaces proline 579 with alanine.
Molecular consequence: missense variant.
Genome position (GRCh38, 1-based): chr11:119,285,360, C>G. VCF-style: chr11-119285360-C-G. GRCh37 (hg19) VCF-style: chr11-119156070-C-G.
Other names: short protein forms P579A.
Identifiers: ClinVar variation 1482091 (VCV001482091.6), dbSNP rs752260506, ClinGen allele CA382919908.